The following is an entry in ClinVar:

ClinVar aggregate classification (germline): Likely pathogenic. Review status: reviewed by expert panel (3 of 4 stars). 2 submissions from 2 submitters: Likely pathogenic (1). 1 of the submissions does not count toward it. Last evaluated 2024-03-29.

Conditions:
Creatine transporter deficiency (CCDS1). Also called: Mental retardation , X-linked with seizures, short stature and midface hypoplasia; Mental retardation , X-linked, with creatine transport deficiency; X-linked creatine transporter deficiency; X-linked creatine deficiency syndrome; SLC6A8-Related Creatine Transporter Deficiency; CREATINE TRANSPORTER DEFECT. Identifiers: Orphanet 52503, MedGen C1845862, MONDO:0010305, OMIM 300352.

Submissions (2):

ClinGen Cerebral Creatine Deficiency Syndromes Variant Curation Expert Panel, ClinGen
Classification: Likely pathogenic for Creatine transporter deficiency. Last evaluated: 2024-03-29. Review status: reviewed by expert panel. Criteria: ClinGen_CCDS_ACMG_Specifications_SLC6A8_v1.1. Collection method: curation. Allele origin: germline. Inheritance: X-linked inheritance.
Comment: The NM_005629.4: c.1271G>A variant in the SLC6A8 is a missense variant in exon 9 predicted to result in substitution of glycine by aspartic acid at position 424 (p.Gly424Asp). This variant has been reported in three male siblings with mild intellectual disability, elevated urine creatine/creatinine, and reduced creatine peak on brain MRS (PP4_strong). Their mother was heterozygous for the same variant, had a mild reduction of creatine on MRS and indicate the mother had attention deficit, impulsiveness and intelligence below average (PMID: 24137762) (PP1_moderate). This variant was not found in gnomAD v2.1.1. (PM2_supporting). In silico predictions suggest this variant will be damaging to the function of the canonical protein (REVEL = 0.90) (PP3). There is no ClinVar entry for this variant. Functional studies of this variant demonstrated residual creatine uptake of 29% of the wildtype transfection level, indicating that this variant may affect the function of the protein but not meeting the threshold required by the ClinGen Cerebral Creatine Deficiency Syndromes VCEP (<10%) (PMID: 22281021) (PS3_Supporting not met). In summary, this variant meets criteria to be classified as a likely pathogenic variant for creatine transporter deficiency. SLC6A8-specific criteria applied, as specified by the ClinGen CCDS VCEP (Specifications Version 1.1.0) (PP4_strong, PP1_moderate, PM2_supporting, PP3). (Classification approved by the ClinGen Cerebral Cretine Deficiency Syndromes Variant Curation Expert Panel on March 29, 2024).

Labcorp Genetics (formerly Invitae), Labcorp
Classification: Pathogenic for Creatine transporter deficiency. Last evaluated: 2024-12-23. Review status: criteria provided, single submitter. Criteria: Invitae Variant Classification Sherloc (09022015). Collection method: clinical testing. Allele origin: germline. Not counted in ClinVar's aggregate classification.
Comment: This sequence change replaces glycine, which is neutral and non-polar, with aspartic acid, which is acidic and polar, at codon 424 of the SLC6A8 protein (p.Gly424Asp). This variant is not present in population databases (gnomAD no frequency). This missense change has been observed in individual(s) with clinical features of SLC6A8-related conditions (PMID: 24137762). It has also been observed to segregate with disease in related individuals. ClinVar contains an entry for this variant (Variation ID: 3066442). Invitae Evidence Modeling of protein sequence and biophysical properties (such as structural, functional, and spatial information, amino acid conservation, physicochemical variation, residue mobility, and thermodynamic stability) indicates that this missense variant is expected to disrupt SLC6A8 protein function with a positive predictive value of 95%. For these reasons, this variant has been classified as Pathogenic.

Literature cited by the submitters: PubMed 24137762 (cited by Labcorp Genetics (formerly Invitae), Labcorp).

NM_005629.4(SLC6A8):c.1271G>A (p.Gly424Asp)

Gene: SLC6A8 (solute carrier family 6 member 8; plus strand). Cytogenetic location: Xq28.
Variant type: single nucleotide variant.
Coding change: c.1271G>A on transcript NM_005629.4 (MANE Select); coding-DNA position 1271, G replaced by A.
Protein change: p.Gly424Asp; replaces glycine 424 with aspartic acid.
Molecular consequence: missense variant.
Genome position (GRCh38, 1-based): chrX:153,694,146, G>A. VCF-style: chrX-153694146-G-A. GRCh37 (hg19) VCF-style: chrX-152959601-G-A.
Other names: NM_001142805.2:c.1241G>A; c.1241G>A, p.Gly414Asp (NM_001142805.2); c.926G>A, p.Gly309Asp (NM_001142806.1); short protein forms G309D, G414D, G424D.
Identifiers: ClinVar variation 3066442 (VCV003066442.3), dbSNP rs11548960, ClinGen allele CA415086699.
Genomic context (GRCh38, chrX:153,694,146, plus strand): 5'-GTGGAGGGCGGTGCGGGGCTCGGCCTGAGCTGCCCTGGCCACAGTTTGTAGGTGTGGAGG[G>A]CTTCATCACCGGCCTCCTCGACCTCCTCCCGGCCTCCTACTACTTCCGTTTCCAAAGGGA-3'
Protein context (NP_005620.1, residues 414-434): GLDSQFVGVE[Gly424Asp]FITGLLDLLP